The following is an entry in ClinVar:

ClinVar aggregate classification (germline): Uncertain significance. Review status: criteria provided, single submitter (1 of 4 stars). 2 submissions from 2 submitters: Uncertain significance (1). 1 of the submissions does not count toward it. Last evaluated 2022-07-16.

Conditions:
Cohen syndrome (COH1). Also called: Cutis verticis gyrata, retinitis pigmentosa, and sensorineural deafness; PEPPER SYNDROME. Identifiers: Orphanet 193, MedGen C0265223, MONDO:0008999, OMIM 216550.
VPS13B-related disorder. Also called: VPS13B-related condition.

Allele frequency attached by ClinVar (database versions not stated): ExAC 0.00002; gnomAD 0.00003; TOPMed 0.00004; ESP Exome Variant Server 0.00008.
gnomAD v4.1: 6 of 1,613,946 alleles (0.00037%); highest among the groups gnomAD compares: African/African-American, 0.0067%; no homozygotes.

Submissions (2):

Labcorp Genetics (formerly Invitae), Labcorp
Classification: Uncertain significance for Cohen syndrome. Last evaluated: 2022-07-16. Review status: criteria provided, single submitter. Criteria: Invitae Variant Classification Sherloc (09022015). Collection method: clinical testing. Allele origin: germline.
Comment: This sequence change replaces leucine, which is neutral and non-polar, with valine, which is neutral and non-polar, at codon 2781 of the VPS13B protein (p.Leu2781Val). This variant is present in population databases (rs141360806, gnomAD 0.008%). This variant has not been reported in the literature in individuals affected with VPS13B-related conditions. Algorithms developed to predict the effect of missense changes on protein structure and function are either unavailable or do not agree on the potential impact of this missense change (SIFT: "Not Available"; PolyPhen-2: "Benign"; Align-GVGD: "Not Available"). In summary, the available evidence is currently insufficient to determine the role of this variant in disease. Therefore, it has been classified as a Variant of Uncertain Significance.

PreventionGenetics, part of Exact Sciences
Classification: Uncertain significance for VPS13B-related condition. Last evaluated: 2024-04-16. Review status: no assertion criteria provided. Collection method: clinical testing. Allele origin: germline. Not counted in ClinVar's aggregate classification.
Comment: The VPS13B c.8266C>G variant is predicted to result in the amino acid substitution p.Leu2756Val. To our knowledge, this variant has not been reported in the literature. This variant is reported in 0.012% of alleles in individuals of African descent in gnomAD. At this time, the clinical significance of this variant is uncertain due to the absence of conclusive functional and genetic evidence.

NM_152564.5(VPS13B):c.8266C>G (p.Leu2756Val)

Gene: VPS13B (vacuolar protein sorting 13 homolog B; plus strand). Cytogenetic location: 8q22.2.
Variant type: single nucleotide variant.
Coding change: c.8266C>G on transcript NM_152564.5 (MANE Select); coding-DNA position 8266, C replaced by G.
Protein change: p.Leu2756Val; replaces leucine 2756 with valine.
Molecular consequence: missense variant.
Genome position (GRCh38, 1-based): chr8:99,817,708, C>G. VCF-style: chr8-99817708-C-G. GRCh37 (hg19) VCF-style: chr8-100829936-C-G.
Other names: c.8341C>G, p.Leu2781Val (NM_017890.5); short protein forms L2756V, L2781V.
Identifiers: ClinVar variation 2062907 (VCV002062907.2), dbSNP rs141360806, ClinGen allele CA4824415.
Genomic context (GRCh38, chr8:99,817,708, plus strand): 5'-CATTTTGACTGCCTCACAGCCAAACAGAAATTGCCTTCGTACATACTAGAAAACAATGAA[C>G]TGACGGAGCTGTGTGTGAAGGCCAAAGGAGATGAAGACTGGTCAAGAGATGTGTGCCTGG-3'
Protein context (NP_689777.3, residues 2746-2766): LPSYILENNE[Leu2756Val]TELCVKAKGD